The following is an entry in ClinVar:

Single allele

Variant type: Deletion.
Identifiers: ClinVar variation 559474 (VCV000559474.3).

ClinVar aggregate classification (germline): Pathogenic (1 of 4 stars; one submission).

Conditions:
Breast-ovarian cancer, familial, susceptibility to, 2 (BROVCA2). Also called: BRCA2 Hereditary Breast and Ovarian Cancer. Identifiers: Orphanet 145, MedGen C2675520, MONDO:0012933, OMIM 612555. Disease mechanism: loss of function.

Submission:

Geisinger Autism and Developmental Medicine Institute, Geisinger Health System
Classification: Pathogenic for Breast-ovarian cancer, familial, susceptibility to, 2. Last evaluated: 2018-04-12. Review status: criteria provided, single submitter. Criteria: ACMG CNV Guidelines, 2011. Collection method: provider interpretation. Allele origin: unknown. Affected: yes.
Comment: Parental testing was not completed. This deletion includes three genes, including a portion of BRCA2. The clinical significance of this deletion for the patient's current symptoms remains unclear at this time.

Literature cited by the submitters: PubMed 21637503.